The following is an entry in ClinVar:

ClinVar aggregate classification (germline): Uncertain significance (0 of 4 stars; one submission).

Conditions:
Isolated dental anomalies.

gnomAD v4.1: 1 of 1,590,692 alleles (0.000063%); highest among the groups gnomAD compares: Non-Finnish European, 0.000086%; no homozygotes.

Submission:

Center of Excellence in Medical Genetics Research, Chiang Mai University
Classification: Uncertain significance for Isolated dental anomalies. Last evaluated: 2026-08-18. Review status: no assertion criteria provided. Collection method: research. Allele origin: germline. Affected: yes. Observed: 1 variant allele.
Comment: NM_013275.6:c.5605C>G is a missense variant in ANKRD11. The in silico mutation prediction results were MutationTaster (Polymorphism; 0.999999999045257), PolyPhen-2 (Benign; 0.243), SIFT (Uncertain; 0.019), CADD (16.75), and DANN (Uncertain; 0.99) (BP4). It occurs at an extremely low frequency in the gnomAD population database (gnomAD Global = 0.0000006287, South Asian = 0, East Asian = 0) and is absent in the T-Rex database (Thai exomes: 0/2184) (PM2). In summary, this variant meets criteria to be classified as a variant of uncertain significance (VUS) for isolated dental anomalies based on the ACMG/AMP criteria applied.

NM_013275.6(ANKRD11):c.5605C>G (p.Pro1869Ala)

Gene: ANKRD11 (ankyrin repeat domain 11; minus strand). Cytogenetic location: 16q24.3.
Variant type: single nucleotide variant.
Coding change: c.5605C>G on transcript NM_013275.6 (MANE Select); coding-DNA position 5605, C replaced by G.
Protein change: p.Pro1869Ala; replaces proline 1869 with alanine.
Molecular consequence: missense variant.
Genome position (GRCh38, 1-based): chr16:89,280,937, G>C on the plus strand (C>G on the coding strand, the complement: ANKRD11 is on the minus strand). VCF-style: chr16-89280937-G-C. GRCh37 (hg19) VCF-style: chr16-89347345-G-C.
Other names: c.5605C>G, p.Pro1869Ala (NM_001256182.2, NM_001256183.2); short protein forms P1869A.
Identifiers: ClinVar variation 4886916 (VCV004886916.1).